The following is an entry in ClinVar:

ClinVar aggregate classification (germline): Uncertain significance. Review status: criteria provided, multiple submitters, no conflicts (2 of 4 stars). 2 submissions from 2 submitters: Uncertain significance (2). Last evaluated 2023-08-31.

Conditions:
HDAC4-related disorder. Also called: HDAC4-related condition.
Neurodevelopmental disorder with central hypotonia and dysmorphic facies (NEDCHF). Identifiers: MedGen C5676944, MONDO:0859232, OMIM 619797.

Allele frequency attached by ClinVar (database versions not stated): gnomAD 0.00001; gnomAD exomes 0.00001; TOPMed 0.00002.
gnomAD v4.1: 8 of 1,604,486 alleles (0.0005%); highest among the groups gnomAD compares: Non-Finnish European, 0.00068%; no homozygotes.

Submissions (2):

PreventionGenetics, part of Exact Sciences
Classification: Uncertain significance for HDAC4-related condition. Last evaluated: 2023-08-31. Review status: criteria provided, single submitter. Criteria: ACMG Guidelines, 2015. Collection method: clinical testing. Allele origin: germline.
Comment: The HDAC4 c.145A>G variant is predicted to result in the amino acid substitution p.Met49Val. To our knowledge, this variant has not been reported in the literature. This variant is reported in 0.00080% of alleles in individuals of European (Non-Finnish) descent in gnomAD. At this time, the clinical significance of this variant is uncertain due to the absence of conclusive functional and genetic evidence.

Victorian Clinical Genetics Services, Murdoch Childrens Research Institute
Classification: Uncertain significance for Neurodevelopmental disorder with central hypotonia and dysmorphic facies. Last evaluated: 2022-02-02. Review status: criteria provided, single submitter. Criteria: ACMG Guidelines, 2015. Collection method: clinical testing. Allele origin: germline. Inheritance: Autosomal dominant inheritance.
Comment: Based on the classification scheme VCGS_Germline_v1.3.4, this variant is classified as VUS-3C. Following criteria are met: 0101 - Gain of function is a known mechanism of disease in this gene and is associated with HDAC4-related syndromic intellectual disability (PMID: 33537682). (I) 0107 - This gene is associated with autosomal dominant disease. (I) 0200 - Variant is predicted to result in a missense amino acid change from methionine to valine. (I) 0251 - This variant is heterozygous. (I) 0302 - Variant is present in gnomAD <0.001 for a dominant condition (v3: 1 heterozygote, 0 homozygotes). (SP) 0309 - An alternative amino acid change at the same position has been observed in gnomAD (v2: 1 heterozygote, 0 homozygotes). (I) 0503 - Missense variant consistently predicted to be tolerated by multiple in silico tools or not conserved in placental mammals with a minor amino acid change. (SB) 0604 - Variant is not located in an established domain, motif, hotspot or informative constraint region. (I) 0705 - No comparable missense variants have previous evidence for pathogenicity. (I) 0807 - This variant has no previous evidence of pathogenicity. (I) 0905 - No published segregation evidence has been identified for this variant. (I) 1007 - No published functional evidence has been identified for this variant. (I) 1208 - Inheritance information for this variant is not currently available in this individual. (I) Legend: (SP) - Supporting pathogenic, (I) - Information, (SB) - Supporting benign

Literature cited by the submitters: PubMed 33537682 (cited by Victorian Clinical Genetics Services, Murdoch Childrens Research Institute).

NM_001378414.1(HDAC4):c.145A>G (p.Met49Val)

Gene: HDAC4 (histone deacetylase 4; minus strand). Cytogenetic location: 2q37.3.
Variant type: single nucleotide variant.
Coding change: c.145A>G on transcript NM_001378414.1 (MANE Select); coding-DNA position 145, A replaced by G.
Protein change: p.Met49Val; replaces methionine 49 with valine.
Molecular consequence: missense variant.
Genome position (GRCh38, 1-based): chr2:239,190,027, T>C on the plus strand (A>G on the coding strand, the complement: HDAC4 is on the minus strand). VCF-style: chr2-239190027-T-C. GRCh37 (hg19) VCF-style: chr2-240111723-T-C.
Other names: c.145A>G, p.Met49Val (NM_001378415.1, NM_001378416.1, NM_001378417.1 and 1 more transcripts); short protein forms M49V.
Identifiers: ClinVar variation 1699421 (VCV001699421.4), dbSNP rs1209314417, ClinGen allele CA351275933.